The following is an entry in ClinVar:

ClinVar aggregate classification (germline): Uncertain significance (1 of 4 stars; one submission).

Submission:

GeneDx
Classification: Uncertain significance. Last evaluated: 2023-12-09. Review status: criteria provided, single submitter. Criteria: GeneDx Variant Classification Process June 2021. Collection method: clinical testing. Allele origin: germline. Affected: yes.
Comment: Not observed at significant frequency in large population cohorts (gnomAD); In silico analysis supports that this missense variant has a deleterious effect on protein structure/function; Has not been previously published as pathogenic or benign to our knowledge

NM_002235.5(KCNA6):c.1261A>G (p.Thr421Ala)

Genes: KCNA6 (potassium voltage-gated channel subfamily A member 6; plus strand), KCNA6-AS1 (KCNA6 antisense RNA 1; minus strand). Cytogenetic location: 12p13.32.
Variant type: single nucleotide variant.
Coding change: c.1261A>G on transcript NM_002235.5 (MANE Select); coding-DNA position 1261, A replaced by G.
Protein change: p.Thr421Ala; replaces threonine 421 with alanine.
Molecular consequence: missense variant. On other transcripts: non-coding transcript variant (3).
Genome position (GRCh38, 1-based): chr12:4,811,302, A>G. VCF-style: chr12-4811302-A-G. GRCh37 (hg19) VCF-style: chr12-4920468-A-G.
Other names: short protein forms T421A.
Identifiers: ClinVar variation 3365490 (VCV003365490.1).